The following is an entry in ClinVar:

Conditions:
Breast-ovarian cancer, familial, susceptibility to, 1 (BROVCA1). Also called: BRCA1 Hereditary Breast and Ovarian Cancer; OVARIAN CANCER, SUSCEPTIBILITY TO. Identifiers: Orphanet 145, MedGen C2676676, MONDO:0011450, OMIM 604370. Disease mechanism: loss of function.

Submission:

Brotman Baty Institute, University of Washington
No classification provided (evidence only). Condition: Breast-ovarian cancer, familial 1. Review status: no classification provided. Collection method: in vitro. Allele origin: not applicable. Functional consequence: functionally_normal.
ClinVar note: "not provided" was previously submitted as the classification for the variant. However, the classification appeared to be based only on an observation of functional data so it was converted to no classification on 2025-07-30.

NM_007294.4(BRCA1):c.134+15G>T

Gene: BRCA1 (BRCA1 DNA repair associated; minus strand). Cytogenetic location: 17q21.31.
Variant type: single nucleotide variant.
Coding change: c.134+15G>T on transcript NM_007294.4 (MANE Select); 15 bases into the intron after coding-DNA position 134, G replaced by T.
Molecular consequence: intron variant.
Genome position (GRCh38, 1-based): chr17:43,115,711, C>A on the plus strand (G>T on the coding strand, the complement: BRCA1 is on the minus strand). VCF-style: chr17-43115711-C-A. GRCh37 (hg19) VCF-style: chr17-41267728-C-A.
Other names: c.134+15G>T (NM_001407615.1, NM_001407591.1, NM_001408441.1 and 191 more transcripts); c.-124+15G>T (NM_001407724.1, NM_001407746.1, NM_001408468.1 and 13 more transcripts); c.-8+15G>T (NM_001407697.1, NM_001407838.1, NM_001408410.1 and 47 more transcripts); c.-55+15G>T (NM_001408483.1, NM_001407885.1, NM_001407886.1 and 52 more transcripts); c.-219+9566G>T (NM_001407967.1); c.-170+9566G>T (NM_001407959.1); c.-7-9178G>T (NM_001407931.1, NM_001407747.1, NM_001408511.1 and 2 more transcripts); c.-170+15G>T (NM_001407962.1, NM_001408512.1, NM_001408510.1 and 1 more transcripts); and 10 more.
Identifiers: ClinVar variation 867850 (VCV000867850.3), dbSNP rs863224417, ClinGen allele CA916080964.
Genomic context (GRCh38, chr17:43,115,711, plus strand): 5'-AGTTAGGTGTTTCCTGGGTTATGAAGGACAAAAACAAAAGCTAATAATGGAGCCACATAA[C>A]ACATTCAAACTTACTTGCAAAATATGTGGTCACACTTTGTGGAGACAGGTTCCTTGATCA-3'